The following is an entry in ClinVar:

NM_181712.5(KANK4):c.745G>T (p.Gly249Cys)

Gene: KANK4 (KN motif and ankyrin repeat domains 4; minus strand). Cytogenetic location: 1p31.3.
Variant type: single nucleotide variant.
Coding change: c.745G>T on transcript NM_181712.5 (MANE Select); coding-DNA position 745, G replaced by T.
Protein change: p.Gly249Cys; replaces glycine 249 with cysteine.
Molecular consequence: missense variant. On other transcripts: intron variant (1).
Genome position (GRCh38, 1-based): chr1:62,274,359, C>A on the plus strand (G>T on the coding strand, the complement: KANK4 is on the minus strand). VCF-style: chr1-62274359-C-A. GRCh37 (hg19) VCF-style: chr1-62740031-C-A.
Other names: c.17-2770G>T (NM_001320269.2); short protein forms G249C.
Identifiers: ClinVar variation 3705236 (VCV003705236.2).

ClinVar aggregate classification (germline): Uncertain significance (1 of 4 stars; one submission).

Submission:

Labcorp Genetics (formerly Invitae), Labcorp
Classification: Uncertain significance. Last evaluated: 2025-03-18. Review status: criteria provided, single submitter. Criteria: Invitae Variant Classification Sherloc (09022015). Collection method: clinical testing. Allele origin: germline.
Comment: This sequence change replaces glycine, which is neutral and non-polar, with cysteine, which is neutral and slightly polar, at codon 249 of the KANK4 protein (p.Gly249Cys). This variant is present in population databases (rs200092582, gnomAD 0.1%), and has an allele count higher than expected for a pathogenic variant. This variant has not been reported in the literature in individuals affected with KANK4-related conditions. An algorithm developed to predict the effect of missense changes on protein structure and function (PolyPhen-2) suggests that this variant is likely to be tolerated. Algorithms developed to predict the effect of sequence changes on RNA splicing suggest that this variant may create or strengthen a splice site. In summary, the available evidence is currently insufficient to determine the role of this variant in disease. Therefore, it has been classified as a Variant of Uncertain Significance.